The following is an entry in ClinVar:

ClinVar aggregate classification (germline): Uncertain significance (1 of 4 stars; one submission).

Submission:

Labcorp Genetics (formerly Invitae), Labcorp
Classification: Uncertain significance. Last evaluated: 2023-02-15. Review status: criteria provided, single submitter. Criteria: Invitae Variant Classification Sherloc (09022015). Collection method: clinical testing. Allele origin: germline.
Comment: This sequence change replaces arginine, which is basic and polar, with glycine, which is neutral and non-polar, at codon 2165 of the POLE protein (p.Arg2165Gly). This variant is not present in population databases (gnomAD no frequency). This variant has not been reported in the literature in individuals affected with POLE-related conditions. Advanced modeling of protein sequence and biophysical properties (such as structural, functional, and spatial information, amino acid conservation, physicochemical variation, residue mobility, and thermodynamic stability) performed at Invitae indicates that this missense variant is expected to disrupt POLE protein function. In summary, the available evidence is currently insufficient to determine the role of this variant in disease. Therefore, it has been classified as a Variant of Uncertain Significance.

NM_006231.4(POLE):c.6493C>G (p.Arg2165Gly)

Gene: POLE (DNA polymerase epsilon, catalytic subunit; minus strand). Cytogenetic location: 12q24.33.
Variant type: single nucleotide variant.
Coding change: c.6493C>G on transcript NM_006231.4 (MANE Select); coding-DNA position 6493, C replaced by G.
Protein change: p.Arg2165Gly; replaces arginine 2165 with glycine.
Molecular consequence: missense variant.
Genome position (GRCh38, 1-based): chr12:132,626,155, G>C on the plus strand (C>G on the coding strand, the complement: POLE is on the minus strand). VCF-style: chr12-132626155-G-C. GRCh37 (hg19) VCF-style: chr12-133202741-G-C.
Other names: short protein forms R2165G.
Identifiers: ClinVar variation 3010421 (VCV003010421.3), dbSNP rs369549727, ClinGen allele CA387367273.